The following is an entry in ClinVar:

ClinVar aggregate classification (germline): Uncertain significance. Review status: criteria provided, multiple submitters, no conflicts (2 of 4 stars). 2 submissions from 2 submitters: Uncertain significance (2). Last evaluated 2024-04-28.

Conditions:
Donnai-Barrow syndrome. Also called: DBS/FOAR SYNDROME; FACIOOCULOACOUSTICORENAL SYNDROME. Identifiers: Orphanet 2143, MedGen C1857277, MONDO:0009104, OMIM 222448.

Allele frequency attached by ClinVar (database versions not stated): gnomAD exomes below 0.00001; ExAC 0.00001; TOPMed 0.00001; ESP Exome Variant Server 0.00015.
gnomAD v4.1: 1 of 1,614,236 alleles (0.000062%); highest among the groups gnomAD compares: Non-Finnish European, 0.000085%; no homozygotes.

Submissions (2):

Fulgent Genetics
Classification: Uncertain significance for Donnai-Barrow syndrome. Last evaluated: 2024-04-28. Review status: criteria provided, single submitter. Criteria: ACMG Guidelines, 2015. Collection method: clinical testing. Allele origin: germline.

Labcorp Genetics (formerly Invitae), Labcorp
Classification: Uncertain significance. Last evaluated: 2021-12-24. Review status: criteria provided, single submitter. Criteria: Invitae Variant Classification Sherloc (09022015). Collection method: clinical testing. Allele origin: germline.
Comment: Algorithms developed to predict the effect of missense changes on protein structure and function are either unavailable or do not agree on the potential impact of this missense change (SIFT: "Deleterious"; PolyPhen-2: "Possibly Damaging"; Align-GVGD: "Class C0"). This variant has not been reported in the literature in individuals affected with LRP2-related conditions. This variant is present in population databases (rs147344895, gnomAD 0.007%). This sequence change replaces tyrosine, which is neutral and polar, with cysteine, which is neutral and slightly polar, at codon 2762 of the LRP2 protein (p.Tyr2762Cys). In summary, the available evidence is currently insufficient to determine the role of this variant in disease. Therefore, it has been classified as a Variant of Uncertain Significance.

NM_004525.3(LRP2):c.8285A>G (p.Tyr2762Cys)

Gene: LRP2 (LDL receptor related protein 2; minus strand). Cytogenetic location: 2q31.1.
Variant type: single nucleotide variant.
Coding change: c.8285A>G on transcript NM_004525.3 (MANE Select); coding-DNA position 8285, A replaced by G.
Protein change: p.Tyr2762Cys; replaces tyrosine 2762 with cysteine.
Molecular consequence: missense variant.
Genome position (GRCh38, 1-based): chr2:169,201,795, T>C on the plus strand (A>G on the coding strand, the complement: LRP2 is on the minus strand). VCF-style: chr2-169201795-T-C. GRCh37 (hg19) VCF-style: chr2-170058305-T-C.
Other names: short protein forms Y2762C.
Identifiers: ClinVar variation 2058912 (VCV002058912.5), dbSNP rs147344895, ClinGen allele CA1953893.